The following is an entry in ClinVar:

ClinVar aggregate classification (germline): Conflicting classifications of pathogenicity. Review status: criteria provided, conflicting classifications (1 of 4 stars). 11 submissions from 11 submitters: Uncertain significance (10); Likely benign (1). Last evaluated 2026-09-21.

Conditions:
Amyotrophic lateral sclerosis (ALS). Also called: Lou Gehrig disease; Charcot disease. Identifiers: Orphanet 803, MedGen C0002736, MONDO:0004976, HP:0007354.
SQSTM1-related disorder. Also called: SQSTM1-Related Disorders.
Myopathy, distal, with rimmed vacuoles (DMRV). Also called: MULTISYSTEM PROTEINOPATHY 4. Identifiers: MedGen C5399975, MONDO:0014945, OMIM 617158.
Neurodegeneration with ataxia, dystonia, and gaze palsy, childhood-onset (NADGP). Identifiers: MedGen C4310693, MONDO:0014940, OMIM 617145.
Frontotemporal dementia and/or amyotrophic lateral sclerosis 3. Also called: FTDALS3. Identifiers: Orphanet 275864, Orphanet 275872, Orphanet 803, MedGen C4225326, MONDO:0014640, OMIM 616437.
Paget disease of bone 3. Identifiers: MedGen C4085252, MONDO:0008176, OMIM 167250.
Frontotemporal dementia and/or amyotrophic lateral sclerosis 1 (FTDALS1). Also called: Frontotemporal dementia with motor neuron disease 1; C9orf72 Frontotemporal Dementia and/or Amyotrophic Lateral Sclerosis. Identifiers: Orphanet 275872, MedGen C5779877, MONDO:0007105, OMIM 105550.
Paget disease of bone 2, early-onset (PDB2). Also called: Paget disease of bone 2. Identifiers: MedGen C4085251, MONDO:0011183, OMIM 602080.

Allele frequency attached by ClinVar (database versions not stated): gnomAD exomes 0.00035 and 0.00029; ESP Exome Variant Server 0.00069; ExAC 0.00022; gnomAD 0.00027 and 0.00029; TOPMed 0.00030.

Submissions (11):

Department of Neurology, Brain Research Institute, Niigata University
Classification: Likely benign for Amyotrophic lateral sclerosis. Last evaluated: 2026-09-21. Review status: criteria provided, single submitter. Criteria: ACMG Guidelines, 2015. Collection method: research. Allele origin: unknown. Affected: yes.
Comment: REVEL score of this variant is 0.161 (BP4_Moderate).

PreventionGenetics, part of Exact Sciences
Classification: Uncertain significance for SQSTM1-related condition. Last evaluated: 2026-03-10. Review status: criteria provided, single submitter. Criteria: ACMG Guidelines, 2015. Collection method: clinical testing. Allele origin: germline.
Comment: The SQSTM1 c.457G>A variant is predicted to result in the amino acid substitution p.Val153Ile. This variant has been reported in an individual with amyotrophic lateral sclerosis (ALS) who also carried an additional missense variant in SQSTM1 in trans (Shimizu et al. 2013. PubMed ID: 23812289) and has been observed in other patients with ALS (Table 1, Yilmaz et al. 2019. PubMed ID: 31859009; Fecto et al. 2011. PubMed ID: 22084127). In another study, this variant was found in one patient with ALS, but also observed in three controls (Table 2, van der Zee et al. 2014. PubMed ID: 24899140). In a large ALS case-control study, the c.457G>A variant was reported in one healthy control but not in any individuals with ALS (Morgan et al. 2017. PubMed ID: 28430856). This variant has also been observed in an individual with glaucoma and an individual with Alzheimer disease, but was also observed in otherwise healthy controls in both studies (Scheetz et al. 2016. PubMed ID: 27275741; Table 1, Cuyvers et al. 2015. PubMed ID: 25796131). This variant is reported in 0.042% of alleles in individuals of European (non-Finnish) descent in gnomAD, which is likely too common for a fully penetrant autosomal dominant variant. At this time, the clinical significance of this variant is uncertain due to the absence of conclusive functional and genetic evidence.

Labcorp Genetics (formerly Invitae), Labcorp
Classification: Uncertain significance for Paget disease of bone 2, early-onset; Frontotemporal dementia and/or amyotrophic lateral sclerosis 1. Last evaluated: 2026-01-20. Review status: criteria provided, single submitter. Criteria: Invitae Variant Classification Sherloc (09022015). Collection method: clinical testing. Allele origin: germline.
Comment: This sequence change replaces valine, which is neutral and non-polar, with isoleucine, which is neutral and non-polar, at codon 153 of the SQSTM1 protein (p.Val153Ile). This variant is present in population databases (rs145056421, gnomAD 0.04%). This missense change has been observed in individual(s) with amyotrophic lateral sclerosis (PMID: 22084127, 23812289, 24899140, 25796131, 31859009). ClinVar contains an entry for this variant (Variation ID: 571746). Invitae Evidence Modeling of protein sequence and biophysical properties (such as structural, functional, and spatial information, amino acid conservation, physicochemical variation, residue mobility, and thermodynamic stability) indicates that this missense variant is not expected to disrupt SQSTM1 protein function with a negative predictive value of 80%. In summary, the available evidence is currently insufficient to determine the role of this variant in disease. Therefore, it has been classified as a Variant of Uncertain Significance.

Women's Health and Genetics/Laboratory Corporation of America, LabCorp
Classification: Uncertain significance. Last evaluated: 2024-06-25. Review status: criteria provided, single submitter. Criteria: LabCorp Variant Classification Summary - May 2015. Collection method: clinical testing. Allele origin: germline.
Comment: Variant summary: SQSTM1 c.457G>A (p.Val153Ile) results in a conservative amino acid change in the encoded protein sequence. Five of five in-silico tools predict a benign effect of the variant on protein function. The variant allele was found at a frequency of 0.00029 in 251200 control chromosomes (gnomAD). This frequency is not significantly higher than estimated for a pathogenic variant in SQSTM1 causing SQSTM1-Related Disorders, allowing no conclusion about variant significance. c.457G>A has been reported in the literature in individuals affected with Amyotrophic lateral sclerosis as well as unaffected controls (e.g. Fecto_2011, Shimizu_2013, van der Zee_2014, Yilmaz_2020). These reports do not provide unequivocal conclusions about association of the variant with SQSTM1-Related Disorders. To our knowledge, no experimental evidence demonstrating an impact on protein function has been reported. The following publications have been ascertained in the context of this evaluation (PMID: 22084127, 23812289, 24899140, 31859009). ClinVar contains an entry for this variant (Variation ID: 571746). Based on the evidence outlined above, the variant was classified as uncertain significance.

Mayo Clinic Laboratories, Mayo Clinic
Classification: Uncertain significance. Last evaluated: 2023-11-07. Review status: criteria provided, single submitter. Criteria: ACMG Guidelines, 2015. Collection method: clinical testing. Allele origin: germline. Observed: 2 variant alleles.
Comment: BP4

Revvity Omics, Revvity
Classification: Uncertain significance. Last evaluated: 2023-07-13. Review status: criteria provided, single submitter. Criteria: ACMG Guidelines, 2015. Collection method: clinical testing. Allele origin: germline.

Molecular Genetics, Royal Melbourne Hospital
Classification: Uncertain significance for Neurodegeneration with ataxia, dystonia, and gaze palsy, childhood-onset. Last evaluated: 2023-06-06. Review status: criteria provided, single submitter. Criteria: ACMG Guidelines, 2015. Collection method: clinical testing. Allele origin: germline. Inheritance: Autosomal recessive inheritance.
Comment: This sequence change in SQSTM1 is predicted to replace valine with isoleucine at codon 153, p.(Val153Ile). The valine residue is weakly conserved (100 vertebrates, UCSC), and is located in the zinc finger domain. There is a small physicochemical difference between valine and isoleucine. The highest population minor allele frequency in the population database gnomAD v2.1 is 0.042% (54/128,964 alleles) in the European (non-Finnish) population. This variant has been reported in individuals with amyotrophic lateral sclerosis (PMID: 22084127, 23812289). Computational evidence predicts a benign effect for the missense substitution (REVEL = 0.161). Based on the classification scheme RMH Modified ACMG/AMP Guidelines v1.6.1, this variant is classified as a VARIANT OF UNCERTAIN SIGNIFICANCE. Following criteria are met: BP4

Athena Diagnostics
Classification: Uncertain significance. Last evaluated: 2023-02-28. Review status: criteria provided, single submitter. Criteria: Athena Diagnostics Criteria. Collection method: clinical testing. Allele origin: unknown.
Comment: Available data are insufficient to determine the clinical significance of the variant at this time. The frequency of this variant in the general population is higher than would generally be expected for pathogenic variants in this gene. Computational tools disagree on the variant's effect on normal protein function.

Department of Pathology and Laboratory Medicine, Sinai Health System
Classification: Uncertain significance for Frontotemporal dementia and/or amyotrophic lateral sclerosis 3; Myopathy, distal, with rimmed vacuoles; Neurodegeneration with ataxia, dystonia, and gaze palsy, childhood-onset; Paget disease of bone 3. Last evaluated: 2022-12-02. Review status: criteria provided, single submitter. Criteria: ACMG Guidelines, 2015. Collection method: research. Allele origin: germline.

GeneDx
Classification: Uncertain significance. Last evaluated: 2022-04-13. Review status: criteria provided, single submitter. Criteria: GeneDx Variant Classification Process June 2021. Collection method: clinical testing. Allele origin: germline. Affected: yes.
Comment: Reported in individuals with ALS and in unaffected controls (Fecto et al., 2011; Shimizu et al., 2013; van der Zee et al., 2014; Cady et al., 2015; Cuyvers et al., 2015; Morgan et al., 2017; Yilmaz et al., 2020); In silico analysis supports that this missense variant does not alter protein structure/function; This variant is associated with the following publications: (PMID: 26234378, 35240373, 28166811, 25796131, 32594029, 31859009, 34009082, 23812289, 24899140, 22084127, 27275741, 28430856, 25382069)

Illumina Laboratory Services, Illumina
Classification: Uncertain significance for Paget disease of bone 3. Last evaluated: 2017-04-27. Review status: criteria provided, single submitter. Criteria: ICSL Variant Classification Criteria 13 December 2019. Collection method: clinical testing. Allele origin: germline.

Literature cited by the submitters: PubMed 22084127 (cited by 5 submitters); PubMed 23812289 (cited by 5 submitters); PubMed 24899140 (cited by 4 submitters); PubMed 25796131 (cited by Labcorp Genetics (formerly Invitae), Labcorp and Athena Diagnostics); PubMed 31859009 (cited by 4 submitters); PubMed 27275741 (cited by Mayo Clinic Laboratories, Mayo Clinic and Athena Diagnostics); PubMed 28430856 (cited by Mayo Clinic Laboratories, Mayo Clinic and Athena Diagnostics); PubMed 24486447 (cited by Athena Diagnostics).

NM_003900.5(SQSTM1):c.457G>A (p.Val153Ile)

Gene: SQSTM1 (sequestosome 1; plus strand). Cytogenetic location: 5q35.3.
Variant type: single nucleotide variant.
Coding change: c.457G>A on transcript NM_003900.5 (MANE Select); coding-DNA position 457, G replaced by A.
Protein change: p.Val153Ile; replaces valine 153 with isoleucine.
Molecular consequence: missense variant.
Genome position (GRCh38, 1-based): chr5:179,824,013, G>A. VCF-style: chr5-179824013-G-A. GRCh37 (hg19) VCF-style: chr5-179251013-G-A.
Other names: p.Val153Ile; c.205G>A, p.Val69Ile (NM_001142298.2, NM_001142299.2); short protein forms V69I, V153I.
Identifiers: ClinVar variation 571746 (VCV000571746.27), dbSNP rs145056421, ClinGen allele CA3600512.